The following is an entry in ClinVar:

ClinVar aggregate classification (germline): Likely benign. Review status: criteria provided, single submitter (1 of 4 stars). 2 submissions from 2 submitters: Likely benign (1). 1 of the submissions does not count toward it. Last evaluated 2025-04-07.

Conditions:
LOXHD1-related disorder. Also called: LOXHD1-related condition.

Allele frequency attached by ClinVar (database versions not stated): gnomAD exomes 0.00003; TOPMed 0.00005; gnomAD 0.00006.
gnomAD v4.1: 122 of 1,517,598 alleles (0.008%); highest among the groups gnomAD compares: Non-Finnish European, 0.01%; no homozygotes.

Submissions (2):

Labcorp Genetics (formerly Invitae), Labcorp
Classification: Likely benign. Last evaluated: 2025-04-07. Review status: criteria provided, single submitter. Criteria: Invitae Variant Classification Sherloc (09022015). Collection method: clinical testing. Allele origin: germline.

PreventionGenetics, part of Exact Sciences
Classification: Likely benign for LOXHD1-related condition. Last evaluated: 2019-07-09. Review status: no assertion criteria provided. Collection method: clinical testing. Allele origin: germline. Not counted in ClinVar's aggregate classification.
Comment: This variant is classified as likely benign based on ACMG/AMP sequence variant interpretation guidelines (Richards et al. 2015 PMID: 25741868, with internal and published modifications).

NM_001384474.1(LOXHD1):c.2599-10C>T

Gene: LOXHD1 (lipoxygenase homology PLAT domains 1; minus strand). Cytogenetic location: 18q21.1.
Variant type: single nucleotide variant.
Coding change: c.2599-10C>T on transcript NM_001384474.1 (MANE Select); 10 bases into the intron before coding-DNA position 2599, C replaced by T.
Molecular consequence: intron variant.
Genome position (GRCh38, 1-based): chr18:46,560,555, G>A on the plus strand (C>T on the coding strand, the complement: LOXHD1 is on the minus strand). VCF-style: chr18-46560555-G-A. GRCh37 (hg19) VCF-style: chr18-44140518-G-A.
Other names: c.2599-10C>T (NM_144612.7, NM_144612.6).
Identifiers: ClinVar variation 1151416 (VCV001151416.11), dbSNP rs751081260, ClinGen allele CA8952647.
Genomic context (GRCh38, chr18:46,560,555, plus strand): 5'-CGTGTGCCCGAGCCGGAGCTTATAGACCTCGCCCACGTCGGCCGCCTCAAGCTGTTCAAA[G>A]GGCAGGGCAGCGGCTGTCGTGGCCCCAGCGTCCTCCCCAACGCCCCCAACACCCCCGCCC-3'